The following is an entry in ClinVar:

NM_024513.4(FYCO1):c.425T>C (p.Leu142Pro)

Gene: FYCO1 (FYVE and coiled-coil domain autophagy adaptor 1; minus strand). Cytogenetic location: 3p21.31.
Variant type: single nucleotide variant.
Coding change: c.425T>C on transcript NM_024513.4 (MANE Select); coding-DNA position 425, T replaced by C.
Protein change: p.Leu142Pro; replaces leucine 142 with proline.
Molecular consequence: missense variant. On other transcripts: non-coding transcript variant (1), intron variant (2).
Genome position (GRCh38, 1-based): chr3:45,973,202, A>G on the plus strand (T>C on the coding strand, the complement: FYCO1 is on the minus strand). VCF-style: chr3-45973202-A-G. GRCh37 (hg19) VCF-style: chr3-46014694-A-G.
Other names: c.425T>C (NM_024513.3); c.425T>C, p.Leu142Pro (NM_001386421.1, NM_001386422.1, NM_001386423.1 and 4 more transcripts); c.305T>C, p.Leu102Pro (NM_001386426.1); c.-61-3437T>C (NM_001386430.1); c.395+2037T>C (NM_001386427.1); short protein forms L102P, L142P.
Identifiers: ClinVar variation 2067347 (VCV002067347.6), dbSNP rs763972976, ClinGen allele CA2353467.
Genomic context (GRCh38, chr3:45,973,202, plus strand): 5'-AACTGAACCTCAGTCAGCTCATAGAGTTGGCCCACAATGTCCGAGCTCAGCTTTGGCTGC[A>G]GAAAGGGGCTTCTTGCATAGTACCAGTCACTGCAGAAAAACATGTCAATTATAAGAGTAA-3'
Protein context (NP_078789.2, residues 132-152): SDWYYARSPF[Leu142Pro]QPKLSSDIVG

ClinVar aggregate classification (germline): Uncertain significance. Review status: criteria provided, single submitter (1 of 4 stars). 2 submissions from 2 submitters: Uncertain significance (1). 1 of the submissions does not count toward it. Last evaluated 2023-06-16.

Conditions:
FYCO1-related disorder. Also called: FYCO1-related condition.
Cataract 18 (CATC2). Also called: CATARACT 18, AUTOSOMAL RECESSIVE. Identifiers: Orphanet 91492, Orphanet 98991, Orphanet 98992, Orphanet 98995, MedGen C1864908, MONDO:0012395, OMIM 610019.

Allele frequency attached by ClinVar (database versions not stated): TOPMed 0.00001; ExAC 0.00001.
gnomAD v4.1: 4 of 1,614,228 alleles (0.00025%); highest among the groups gnomAD compares: Admixed American, 0.0067%; no homozygotes.

Submissions (2):

Labcorp Genetics (formerly Invitae), Labcorp
Classification: Uncertain significance for Cataract 18. Last evaluated: 2023-06-16. Review status: criteria provided, single submitter. Criteria: Invitae Variant Classification Sherloc (09022015). Collection method: clinical testing. Allele origin: germline.
Comment: In summary, the available evidence is currently insufficient to determine the role of this variant in disease. Therefore, it has been classified as a Variant of Uncertain Significance. An algorithm developed to predict the effect of missense changes on protein structure and function (PolyPhen-2) suggests that this variant is likely to be disruptive. ClinVar contains an entry for this variant (Variation ID: 2067347). This missense change has been observed in individual(s) with congenital cataracts (Invitae). It has also been observed to segregate with disease in related individuals. This variant is present in population databases (rs763972976, gnomAD 0.01%). This sequence change replaces leucine, which is neutral and non-polar, with proline, which is neutral and non-polar, at codon 142 of the FYCO1 protein (p.Leu142Pro).

PreventionGenetics, part of Exact Sciences
Classification: Uncertain significance for FYCO1-related condition. Last evaluated: 2024-08-30. Review status: no assertion criteria provided. Collection method: clinical testing. Allele origin: germline. Not counted in ClinVar's aggregate classification.
Comment: The FYCO1 c.425T>C variant is predicted to result in the amino acid substitution p.Leu142Pro. To our knowledge, this variant has not been reported in the literature. This variant is reported in 0.012% of alleles in individuals of Latino descent in gnomAD. At this time, the clinical significance of this variant is uncertain due to the absence of conclusive functional and genetic evidence.